The following is an entry in ClinVar:

ClinVar aggregate classification (germline): Likely pathogenic. Review status: criteria provided, single submitter (1 of 4 stars). 2 submissions from 2 submitters: Likely pathogenic (1). 1 of the submissions does not count toward it. Last evaluated 2022-11-29.

Conditions:
Familial long QT syndrome (RWS). Also called: Congenital long QT syndrome; Romano-Ward syndrome; VENTRICULAR FIBRILLATION WITH PROLONGED QT INTERVAL. Identifiers: Orphanet 768, MedGen C1141890, MONDO:0019171.
Long QT syndrome (LQTS). Identifiers: MedGen C0023976, MeSH D008133, MONDO:0002442. Disease mechanism: loss of function. Inheritance: Various modes of inheritance.

Submissions (2):

Labcorp Genetics (formerly Invitae), Labcorp
Classification: Likely pathogenic for Long QT syndrome. Last evaluated: 2022-11-29. Review status: criteria provided, single submitter. Criteria: Invitae Variant Classification Sherloc (09022015). Collection method: clinical testing. Allele origin: germline.
Comment: This missense change has been observed in individual(s) with long QT syndrome (PMID: 22949429). This variant is not present in population databases (gnomAD no frequency). This sequence change replaces leucine, which is neutral and non-polar, with arginine, which is basic and polar, at codon 273 of the KCNQ1 protein (p.Leu273Arg). ClinVar contains an entry for this variant (Variation ID: 53110). In summary, the currently available evidence indicates that the variant is pathogenic, but additional data are needed to prove that conclusively. Therefore, this variant has been classified as Likely Pathogenic. This variant disrupts the p.Leu273 amino acid residue in KCNQ1. Other variant(s) that disrupt this residue have been determined to be pathogenic (PMID: 9323054, 15935335, 22949429, 24372464). This suggests that this residue is clinically significant, and that variants that disrupt this residue are likely to be disease-causing. Advanced modeling of protein sequence and biophysical properties (such as structural, functional, and spatial information, amino acid conservation, physicochemical variation, residue mobility, and thermodynamic stability) performed at Invitae indicates that this missense variant is expected to disrupt KCNQ1 protein function.

Cardiovascular Biomedical Research Unit, Royal Brompton & Harefield NHS Foundation Trust
No classification provided. Condition: Familial long QT syndrome. Review status: no classification provided. Collection method: literature only. Allele origin: germline. Not counted in ClinVar's aggregate classification.
Comment: This variant has been reported as associated with Long QT syndrome in the following publications (PMID:15840476;PMID:19841300). This is a literature report, and does not necessarily reflect the clinical interpretation of the Imperial College / Royal Brompton Cardiovascular Genetics laboratory.

Literature cited by the submitters: PubMed 22949429 (cited by Labcorp Genetics (formerly Invitae), Labcorp); PubMed 9323054 (cited by Labcorp Genetics (formerly Invitae), Labcorp); PubMed 15935335 (cited by Labcorp Genetics (formerly Invitae), Labcorp); PubMed 24372464 (cited by Labcorp Genetics (formerly Invitae), Labcorp); PubMed 15840476 (cited by Cardiovascular Biomedical Research Unit, Royal Brompton & Harefield NHS Foundation Trust); PubMed 19841300 (cited by Cardiovascular Biomedical Research Unit, Royal Brompton & Harefield NHS Foundation Trust); PubMed 22581653 (cited by Cardiovascular Biomedical Research Unit, Royal Brompton & Harefield NHS Foundation Trust).

NM_000218.3(KCNQ1):c.818T>G (p.Leu273Arg)

Gene: KCNQ1 (potassium voltage-gated channel subfamily Q member 1; plus strand). Cytogenetic location: 11p15.5.
Variant type: single nucleotide variant.
Coding change: c.818T>G on transcript NM_000218.3 (MANE Select); coding-DNA position 818, T replaced by G.
Protein change: p.Leu273Arg; replaces leucine 273 with arginine.
Molecular consequence: missense variant.
Genome position (GRCh38, 1-based): chr11:2,572,883, T>G. VCF-style: chr11-2572883-T-G. GRCh37 (hg19) VCF-style: chr11-2594113-T-G.
Other names: c.818T>G (LRG_287t1); c.818T>G, p.Leu273Arg (NM_001406836.1); c.548T>G, p.Leu183Arg (NM_001406837.1); c.437T>G, p.Leu146Arg (NM_181798.2); short protein forms L273R, L146R, L183R.
Identifiers: ClinVar variation 53110 (VCV000053110.8), dbSNP rs199472727, ClinGen allele CA008339.